The following is an entry in ClinVar:

ClinVar aggregate classification (germline): Uncertain significance. Review status: criteria provided, multiple submitters, no conflicts (2 of 4 stars). 3 submissions from 3 submitters: Uncertain significance (3). Last evaluated 2026-06-01.

Conditions:
Familial adenomatous polyposis 1 (FAP1). Also called: FAMILIAL ADENOMATOUS POLYPOSIS 1, ATTENUATED; POLYPOSIS, ADENOMATOUS INTESTINAL. Identifiers: MedGen C2713442, MONDO:0021056, OMIM 175100. Disease mechanism: loss of function.
Hereditary cancer-predisposing syndrome. Also called: Hereditary neoplastic syndrome; Tumor predisposition; Neoplastic Syndromes, Hereditary; Hereditary Cancer Syndrome. Identifiers: Orphanet 140162, MedGen C0027672, MeSH D009386, MONDO:0015356.

Allele frequency attached by ClinVar (database versions not stated): gnomAD exomes below 0.00001.

Submissions (3):

CeGaT Center for Human Genetics Tuebingen
Classification: Uncertain significance. Last evaluated: 2026-06-01. Review status: criteria provided, single submitter. Criteria: CeGaT Center For Human Genetics Tuebingen Variant Classification Criteria Version 2. Collection method: clinical testing. Allele origin: germline. Affected: yes. Observed: 1 variant allele.
Comment: APC: PM2

Labcorp Genetics (formerly Invitae), Labcorp
Classification: Uncertain significance for Familial adenomatous polyposis 1. Last evaluated: 2025-04-27. Review status: criteria provided, single submitter. Criteria: Invitae Variant Classification Sherloc (09022015). Collection method: clinical testing. Allele origin: germline.
Comment: This sequence change replaces serine, which is neutral and polar, with alanine, which is neutral and non-polar, at codon 142 of the APC protein (p.Ser142Ala). This variant is not present in population databases (gnomAD no frequency). This variant has not been reported in the literature in individuals affected with APC-related conditions. ClinVar contains an entry for this variant (Variation ID: 1739085). An algorithm developed to predict the effect of missense changes on protein structure and function (PolyPhen-2) suggests that this variant is likely to be tolerated. In summary, the available evidence is currently insufficient to determine the role of this variant in disease. Therefore, it has been classified as a Variant of Uncertain Significance.

Ambry Genetics
Classification: Uncertain significance for Hereditary cancer-predisposing syndrome. Last evaluated: 2020-03-24. Review status: criteria provided, single submitter. Criteria: Ambry Variant Classification Scheme 2023. Collection method: clinical testing. Allele origin: germline.
Comment: The p.S142A variant (also known as c.424T>G), located in coding exon 4 of the APC gene, results from a T to G substitution at nucleotide position 424. The serine at codon 142 is replaced by alanine, an amino acid with similar properties. This amino acid position is well conserved in available vertebrate species. In addition, in silico predictors for this gene do not accurately predict pathogenicity. Since supporting evidence is limited at this time, the clinical significance of this alteration remains unclear.

NM_000038.6(APC):c.424T>G (p.Ser142Ala)

Gene: APC (APC regulator of Wnt signaling pathway; plus strand). Cytogenetic location: 5q22.2.
Variant type: single nucleotide variant.
Coding change: c.424T>G on transcript NM_000038.6 (MANE Select); coding-DNA position 424, T replaced by G.
Protein change: p.Ser142Ala; replaces serine 142 with alanine.
Molecular consequence: missense variant. On other transcripts: 5 prime UTR variant (1).
Genome position (GRCh38, 1-based): chr5:112,775,630, T>G. VCF-style: chr5-112775630-T-G. GRCh37 (hg19) VCF-style: chr5-112111327-T-G.
Other names: c.424T>G, p.Ser142Ala (NM_001127510.3, NM_001354895.2, NM_001354896.2 and 16 more transcripts); c.454T>G, p.Ser152Ala (NM_001127511.3, NM_001354897.2, NM_001354902.2 and 1 more transcripts); c.349T>G, p.Ser117Ala (NM_001354898.2, NM_001354904.2, NM_001407451.1); c.247T>G, p.Ser83Ala (NM_001354900.2, NM_001354901.2, NM_001354905.2 and 1 more transcripts); c.-612T>G (NM_001354906.2, NM_001407470.1, NM_001407471.1 and 1 more transcripts); short protein forms S117A, S142A, S152A, S83A.
Identifiers: ClinVar variation 1739085 (VCV001739085.5), dbSNP rs1311934641, ClinGen allele CA16022251.
Genomic context (GRCh38, chr5:112,775,630, plus strand): 5'-CTTCTGCAGTCTTTATTAGCATTGTTTAAACGTACCTTTTTTTAAAAAAAAAAAAATAGG[T>G]CATTGCTTCTTGCTGATCTTGACAAAGAAGAAAAGGAAAAAGACTGGTATTACGCTCAAC-3'
Protein context (NP_000029.2, residues 132-152): GYLEELEKER[Ser142Ala]LLLADLDKEE